The following is an entry in ClinVar:

ClinVar aggregate classification (germline): Uncertain significance (1 of 4 stars; one submission).

Submission:

GeneDx
Classification: Uncertain significance. Last evaluated: 2020-10-21. Review status: criteria provided, single submitter. Criteria: GeneDx Variant Classification Process June 2021. Collection method: clinical testing. Allele origin: germline. Affected: yes.
Comment: Not observed in large population cohorts (Lek et al., 2016); In silico analysis supports that this missense variant has a deleterious effect on protein structure/function; Located in a cb-EGF-like domain at a glycine residue that is highly conserved across other similarly structured domains in the fibrillin-1 protein; This variant is associated with the following publications: (PMID: 19293843)

NM_000138.5(FBN1):c.7783G>A (p.Gly2595Ser)

Gene: FBN1 (fibrillin 1; minus strand). Cytogenetic location: 15q21.1.
Variant type: single nucleotide variant.
Coding change: c.7783G>A on transcript NM_000138.5 (MANE Select); coding-DNA position 7783, G replaced by A.
Protein change: p.Gly2595Ser; replaces glycine 2595 with serine.
Molecular consequence: missense variant.
Genome position (GRCh38, 1-based): chr15:48,420,723, C>T on the plus strand (G>A on the coding strand, the complement: FBN1 is on the minus strand). VCF-style: chr15-48420723-C-T. GRCh37 (hg19) VCF-style: chr15-48712920-C-T.
Other names: short protein forms G2595S.
Identifiers: ClinVar variation 1303100 (VCV001303100.2), dbSNP rs2141220661, ClinGen allele CA392324572.